The following is an entry in ClinVar:

NM_000038.6(APC):c.442C>G (p.Leu148Val)

Gene: APC (APC regulator of Wnt signaling pathway; plus strand). Cytogenetic location: 5q22.2.
Variant type: single nucleotide variant.
Coding change: c.442C>G on transcript NM_000038.6 (MANE Select); coding-DNA position 442, C replaced by G.
Protein change: p.Leu148Val; replaces leucine 148 with valine.
Molecular consequence: missense variant. On other transcripts: 5 prime UTR variant (4), non-coding transcript variant (2).
Genome position (GRCh38, 1-based): chr5:112,775,648, C>G. VCF-style: chr5-112775648-C-G. GRCh37 (hg19) VCF-style: chr5-112111345-C-G.
Other names: c.442C>G, p.Leu148Val (NM_001127510.3, NM_001354895.2, NM_001354896.2 and 16 more transcripts); c.472C>G, p.Leu158Val (NM_001127511.3, NM_001354897.2, NM_001354902.2 and 1 more transcripts); c.367C>G, p.Leu123Val (NM_001354898.2, NM_001354904.2, NM_001407451.1); c.265C>G, p.Leu89Val (NM_001354900.2, NM_001354901.2, NM_001354905.2 and 1 more transcripts); c.-594C>G (NM_001354906.2, NM_001407470.1, NM_001407471.1 and 1 more transcripts); short protein forms L123V, L148V, L158V, L89V.
Identifiers: ClinVar variation 2681814 (VCV002681814.3), dbSNP rs774964663, ClinGen allele CA16022285.

ClinVar aggregate classification (germline): Uncertain significance. Review status: criteria provided, multiple submitters, no conflicts (2 of 4 stars). 2 submissions from 2 submitters: Uncertain significance (2). Last evaluated 2024-11-15.

Conditions:
Familial adenomatous polyposis 1 (FAP1). Also called: FAMILIAL ADENOMATOUS POLYPOSIS 1, ATTENUATED; POLYPOSIS, ADENOMATOUS INTESTINAL. Identifiers: MedGen C2713442, MONDO:0021056, OMIM 175100. Disease mechanism: loss of function.

Submissions (2):

Labcorp Genetics (formerly Invitae), Labcorp
Classification: Uncertain significance for Familial adenomatous polyposis 1. Last evaluated: 2024-11-15. Review status: criteria provided, single submitter. Criteria: Invitae Variant Classification Sherloc (09022015). Collection method: clinical testing. Allele origin: germline.
Comment: This sequence change replaces leucine, which is neutral and non-polar, with valine, which is neutral and non-polar, at codon 148 of the APC protein (p.Leu148Val). This variant is not present in population databases (gnomAD no frequency). This variant has not been reported in the literature in individuals affected with APC-related conditions. ClinVar contains an entry for this variant (Variation ID: 2681814). Invitae Evidence Modeling of protein sequence and biophysical properties (such as structural, functional, and spatial information, amino acid conservation, physicochemical variation, residue mobility, and thermodynamic stability) indicates that this missense variant is not expected to disrupt APC protein function with a negative predictive value of 95%. In summary, the available evidence is currently insufficient to determine the role of this variant in disease. Therefore, it has been classified as a Variant of Uncertain Significance.

Quest Diagnostics Nichols Institute San Juan Capistrano
Classification: Uncertain significance. Last evaluated: 2023-03-03. Review status: criteria provided, single submitter. Criteria: Quest Diagnostics criteria. Collection method: clinical testing. Allele origin: unknown.
Comment: This variant has not been reported in the published literature. It also has not been reported in large, multi-ethnic general populations. Analysis of this variant using bioinformatics tools for the prediction of the effect of amino acid changes on protein structure and function yielded predictions that this variant is damaging. Based on the available information, we are unable to determine the clinical significance of this variant.